The following is an entry in ClinVar:

ClinVar aggregate classification (germline): Uncertain significance. Review status: criteria provided, multiple submitters, no conflicts (2 of 4 stars). 2 submissions from 2 submitters: Uncertain significance (2). Last evaluated 2025-08-14.

Conditions:
Cardiovascular phenotype. Identifiers: MedGen CN230736.
RASopathy. Also called: rasopathies; Noonan spectrum disorder. Identifiers: Orphanet 536391, MedGen C5555857, MONDO:0021060.

gnomAD v4.1: 3 of 1,614,094 alleles (0.00019%); highest among the groups gnomAD compares: Non-Finnish European, 0.00025%; no homozygotes.

Submissions (2):

Labcorp Genetics (formerly Invitae), Labcorp
Classification: Uncertain significance for RASopathy. Last evaluated: 2025-08-14. Review status: criteria provided, single submitter. Criteria: Invitae Variant Classification Sherloc (09022015). Collection method: clinical testing. Allele origin: germline.
Comment: This sequence change replaces glutamic acid, which is acidic and polar, with glutamine, which is neutral and polar, at codon 622 of the RAF1 protein (p.Glu622Gln). This variant is not present in population databases (gnomAD no frequency). This variant has not been reported in the literature in individuals affected with RAF1-related conditions. ClinVar contains an entry for this variant (Variation ID: 3429950). Invitae Evidence Modeling of protein sequence and biophysical properties (such as structural, functional, and spatial information, amino acid conservation, physicochemical variation, residue mobility, and thermodynamic stability) indicates that this missense variant is expected to disrupt RAF1 protein function with a positive predictive value of 95%. In summary, the available evidence is currently insufficient to determine the role of this variant in disease. Therefore, it has been classified as a Variant of Uncertain Significance.

Ambry Genetics
Classification: Uncertain significance for Cardiovascular phenotype. Last evaluated: 2024-11-27. Review status: criteria provided, single submitter. Criteria: Ambry Variant Classification Scheme 2023. Collection method: clinical testing. Allele origin: germline.

NM_002880.4(RAF1):c.1864G>C (p.Glu622Gln)

Gene: RAF1 (Raf-1 proto-oncogene, serine/threonine kinase; minus strand). Cytogenetic location: 3p25.2.
Variant type: single nucleotide variant.
Coding change: c.1864G>C on transcript NM_002880.4 (MANE Select); coding-DNA position 1864, G replaced by C.
Protein change: p.Glu622Gln; replaces glutamic acid 622 with glutamine.
Molecular consequence: missense variant. On other transcripts: non-coding transcript variant (3).
Genome position (GRCh38, 1-based): chr3:12,584,597, C>G on the plus strand (G>C on the coding strand, the complement: RAF1 is on the minus strand). VCF-style: chr3-12584597-C-G. GRCh37 (hg19) VCF-style: chr3-12626096-C-G.
Other names: c.1924G>C, p.Glu642Gln (NM_001354689.3); c.1864G>C, p.Glu622Gln (NM_001354690.3); c.1621G>C, p.Glu541Gln (NM_001354691.3, NM_001354692.3); c.1765G>C, p.Glu589Gln (NM_001354693.3); c.1681G>C, p.Glu561Gln (NM_001354694.3); c.1522G>C, p.Glu508Gln (NM_001354695.3); short protein forms E642Q, E622Q, E508Q, E541Q, E561Q, E589Q.
Identifiers: ClinVar variation 3429950 (VCV003429950.3).
Genomic context (GRCh38, chr3:12,584,597, plus strand): 5'-ACGTGGTCAGCGTGCAAGCATTGATATCCTCAGTGTGGGCTGCCCGATGCAAGGATGGCT[C>G]GGAAGCGCTCCGGTTGATCTTCGGTAGAGAGTGTTGGAGCAGCTCAATGGAAGACAGGAT-3'
Protein context (NP_002871.1, residues 612-632): SLPKINRSAS[Glu622Gln]PSLHRAAHTE